The following is an entry in ClinVar:

NM_007198.4(PLPBP):c.257G>T (p.Cys86Phe)

Gene: PLPBP (pyridoxal phosphate binding protein; plus strand). Cytogenetic location: 8p11.23.
Variant type: single nucleotide variant.
Coding change: c.257G>T on transcript NM_007198.4 (MANE Select); coding-DNA position 257, G replaced by T.
Protein change: p.Cys86Phe; replaces cysteine 86 with phenylalanine.
Molecular consequence: missense variant.
Genome position (GRCh38, 1-based): chr8:37,766,293, G>T. VCF-style: chr8-37766293-G-T. GRCh37 (hg19) VCF-style: chr8-37623811-G-T.
Other names: c.257G>T, p.Cys86Phe (NM_001349346.2); c.251G>T, p.Cys84Phe (NM_001349347.2); c.101G>T, p.Cys34Phe (NM_001349348.2); c.362G>T, p.Cys121Phe (NM_001349349.1); short protein forms C34F, C86F, C121F, C84F.
Identifiers: ClinVar variation 2117171 (VCV002117171.1), dbSNP rs2487371798, ClinGen allele CA370666925.
Genomic context (GRCh38, chr8:37,766,293, plus strand): 5'-GGCCTCTATAAAATCTGAATTACACATGGTTACCTTTTTCCCCTCAGATTCTGTCTTTGT[G>T]TCCTGAGATCAAATGGCACTTCATTGGCCACCTACAGAAACAAAATGTCAACAAATTGAT-3'
Protein context (NP_009129.1, residues 76-96): KASNPKILSL[Cys86Phe]PEIKWHFIGH

ClinVar aggregate classification (germline): Uncertain significance (1 of 4 stars; one submission).

Submission:

Labcorp Genetics (formerly Invitae), Labcorp
Classification: Uncertain significance. Last evaluated: 2022-03-26. Review status: criteria provided, single submitter. Criteria: Invitae Variant Classification Sherloc (09022015). Collection method: clinical testing. Allele origin: germline.
Comment: This sequence change replaces cysteine, which is neutral and slightly polar, with phenylalanine, which is neutral and non-polar, at codon 86 of the PROSC protein (p.Cys86Phe). This variant is not present in population databases (gnomAD no frequency). This variant has not been reported in the literature in individuals affected with PROSC-related conditions. Algorithms developed to predict the effect of missense changes on protein structure and function are either unavailable or do not agree on the potential impact of this missense change (SIFT: "Deleterious"; PolyPhen-2: "Probably Damaging"; Align-GVGD: "Class C0"). In summary, the available evidence is currently insufficient to determine the role of this variant in disease. Therefore, it has been classified as a Variant of Uncertain Significance.